The following is an entry in ClinVar:

NM_152743.4(BRAT1):c.430G>A (p.Gly144Ser)

Gene: BRAT1 (BRCA1 associated ATM activator 1; minus strand). Cytogenetic location: 7p22.3.
Variant type: single nucleotide variant.
Coding change: c.430G>A on transcript NM_152743.4 (MANE Select); coding-DNA position 430, G replaced by A.
Protein change: p.Gly144Ser; replaces glycine 144 with serine.
Molecular consequence: missense variant. On other transcripts: non-coding transcript variant (1), intron variant (1).
Genome position (GRCh38, 1-based): chr7:2,544,909, C>T on the plus strand (G>A on the coding strand, the complement: BRAT1 is on the minus strand). VCF-style: chr7-2544909-C-T. GRCh37 (hg19) VCF-style: chr7-2584543-C-T.
Other names: c.430G>A, p.Gly144Ser (NM_001350626.2); c.-95-947G>A (NM_001350627.2); short protein forms G144S.
Identifiers: ClinVar variation 1059175 (VCV001059175.9), dbSNP rs984055422, ClinGen allele CA152673142.

ClinVar aggregate classification (germline): Uncertain significance (1 of 4 stars; one submission).

Conditions:
Neonatal-onset encephalopathy with rigidity and seizures. Also called: Lethal neonatal spasticity-epileptic encephalopathy syndrome. Identifiers: Orphanet 435845, MedGen C3281029, MONDO:0013784, OMIM 614498.

Allele frequency attached by ClinVar (database versions not stated): gnomAD exomes below 0.00001; TOPMed below 0.00001; gnomAD 0.00001.

Submission:

Labcorp Genetics (formerly Invitae), Labcorp
Classification: Uncertain significance for Neonatal-onset encephalopathy with rigidity and seizures. Last evaluated: 2022-07-06. Review status: criteria provided, single submitter. Criteria: Invitae Variant Classification Sherloc (09022015). Collection method: clinical testing. Allele origin: germline.
Comment: Algorithms developed to predict the effect of missense changes on protein structure and function are either unavailable or do not agree on the potential impact of this missense change (SIFT: "Tolerated"; PolyPhen-2: "Probably Damaging"; Align-GVGD: "Class C0"). Variants that disrupt the consensus splice site are a relatively common cause of aberrant splicing (PMID: 17576681, 9536098). Algorithms developed to predict the effect of sequence changes on RNA splicing suggest that this variant may disrupt the consensus splice site. In summary, the available evidence is currently insufficient to determine the role of this variant in disease. Therefore, it has been classified as a Variant of Uncertain Significance. ClinVar contains an entry for this variant (Variation ID: 1059175). This sequence change replaces glycine, which is neutral and non-polar, with serine, which is neutral and polar, at codon 144 of the BRAT1 protein (p.Gly144Ser). This variant also falls at the last nucleotide of exon 4, which is part of the consensus splice site for this exon. This variant is not present in population databases (gnomAD no frequency). This variant has not been reported in the literature in individuals affected with BRAT1-related conditions.

Literature cited by the submitters: PubMed 17576681; PubMed 9536098.